The following is an entry in ClinVar:

ClinVar aggregate classification (germline): Uncertain significance (1 of 4 stars; one submission).

Submission:

Labcorp Genetics (formerly Invitae), Labcorp
Classification: Uncertain significance. Last evaluated: 2024-10-14. Review status: criteria provided, single submitter. Criteria: Invitae Variant Classification Sherloc (09022015). Collection method: clinical testing. Allele origin: germline.
Comment: This sequence change replaces leucine, which is neutral and non-polar, with glutamine, which is neutral and polar, at codon 102 of the OBSL1 protein (p.Leu102Gln). This variant is not present in population databases (gnomAD no frequency). This variant has not been reported in the literature in individuals affected with OBSL1-related conditions. ClinVar contains an entry for this variant (Variation ID: 2127192). An algorithm developed to predict the effect of missense changes on protein structure and function outputs the following: PolyPhen-2: "Benign". The glutamine amino acid residue is found in multiple mammalian species, which suggests that this missense change does not adversely affect protein function. In summary, the available evidence is currently insufficient to determine the role of this variant in disease. Therefore, it has been classified as a Variant of Uncertain Significance.

NM_015311.3(OBSL1):c.305T>A (p.Leu102Gln)

Gene: OBSL1 (obscurin like cytoskeletal adaptor 1; minus strand). Cytogenetic location: 2q35.
Variant type: single nucleotide variant.
Coding change: c.305T>A on transcript NM_015311.3 (MANE Select); coding-DNA position 305, T replaced by A.
Protein change: p.Leu102Gln; replaces leucine 102 with glutamine.
Molecular consequence: missense variant.
Genome position (GRCh38, 1-based): chr2:219,570,928, A>T on the plus strand (T>A on the coding strand, the complement: OBSL1 is on the minus strand). VCF-style: chr2-219570928-A-T. GRCh37 (hg19) VCF-style: chr2-220435650-A-T.
Other names: c.305T>A, p.Leu102Gln (NM_001173408.2, NM_001173431.2); short protein forms L102Q.
Identifiers: ClinVar variation 2127192 (VCV002127192.4), dbSNP rs2469103176, ClinGen allele CA350765881.